The following is an entry in ClinVar:

ClinVar aggregate classification (germline): Likely pathogenic (1 of 4 stars; one submission).

Conditions:
Microcephaly-intellectual disability-sensorineural hearing loss-epilepsy-abnormal muscle tone syndrome (NEDHSB). Also called: NEURODEVELOPMENTAL DISORDER WITH HEARING LOSS, SEIZURES, AND BRAIN ABNORMALITIES. Identifiers: Orphanet 457351, MedGen C4225276, MONDO:0014698, OMIM 616577.

Submission:

Labcorp Genetics (formerly Invitae), Labcorp
Classification: Likely pathogenic for Microcephaly-intellectual disability-sensorineural hearing loss-epilepsy-abnormal muscle tone syndrome. Last evaluated: 2022-05-16. Review status: criteria provided, single submitter. Criteria: Invitae Variant Classification Sherloc (09022015). Collection method: clinical testing. Allele origin: germline.
Comment: This variant results in the deletion of part of exon 9 of the SPATA5 gene. It is expected to disrupt RNA splicing. Variants that disrupt the donor or acceptor splice site typically lead to a loss of protein function (PMID: 16199547), and loss-of-function variants in SPATA5 are known to be pathogenic (PMID: 26299366). This variant is not present in population databases (gnomAD no frequency). This variant has not been reported in the literature in individuals affected with SPATA5-related conditions. Algorithms developed to predict the effect of sequence changes on RNA splicing suggest that this variant may disrupt the consensus splice site. In summary, the currently available evidence indicates that the variant is pathogenic, but additional data are needed to prove that conclusively. Therefore, this variant has been classified as Likely Pathogenic.

Literature cited by the submitters: PubMed 16199547; PubMed 26299366.

NM_145207.3(AFG2A):c.1459-11_1478del

Gene: AFG2A (AAA ATPase AFG2A; plus strand). Cytogenetic location: 4q28.1.
Variant type: Deletion.
Coding change: c.1459-11_1478del on transcript NM_145207.3 (MANE Select); 11 bases into the intron before coding-DNA position 1459 through coding-DNA position 1478, 31 bases deleted.
Molecular consequence: splice acceptor variant.
Genome position (GRCh38, 1-based): chr4:122,947,222-122,947,252, 31 bases deleted; deleting any 31 consecutive bases within chr4:122,947,221-122,947,252 gives the same sequence; the c. name uses the placement nearest the transcript's 3' end. GRCh37 (hg19): chr4:123,868,377-123,868,407.
Other names: c.1456-11_1475del (NM_001345856.2, NM_001317799.2).
Identifiers: ClinVar variation 1960481 (VCV001960481.4), dbSNP rs2477019094, ClinGen allele CA2580071452.